The following is an entry in ClinVar:

ClinVar aggregate classification (germline): Uncertain significance. Review status: criteria provided, multiple submitters, no conflicts (2 of 4 stars). 3 submissions from 3 submitters: Uncertain significance (2). 1 of the submissions does not count toward it. Last evaluated 2024-06-03.

Conditions:
Polycystic kidney disease 4 (PKD4). Also called: POLYCYSTIC KIDNEY DISEASE 4 WITH OR WITHOUT POLYCYSTIC LIVER DISEASE; PKD3; Autosomal Recessive Polycystic Kidney Disease – PKHD1; POLYCYSTIC KIDNEY AND HEPATIC DISEASE 1; POLYCYSTIC KIDNEY DISEASE, INFANTILE, TYPE I. Identifiers: MedGen C4540575, MONDO:0033004, OMIM 263200.
Autosomal recessive polycystic kidney disease (ARPKD). Also called: AR polycystic kidney disease. Identifiers: Orphanet 731, Orphanet 8378, MedGen C0085548, MeSH D017044, MONDO:0009889.

Allele frequency attached by ClinVar (database versions not stated): gnomAD exomes below 0.00001; ExAC 0.00001; gnomAD 0.00003; TOPMed 0.00004.
gnomAD v4.1: 7 of 1,613,516 alleles (0.00043%); highest among the groups gnomAD compares: African/African-American, 0.0093%; no homozygotes.

Submissions (3):

Fulgent Genetics
Classification: Uncertain significance for Polycystic kidney disease 4. Last evaluated: 2024-06-03. Review status: criteria provided, single submitter. Criteria: ACMG Guidelines, 2015. Collection method: clinical testing. Allele origin: germline.

Labcorp Genetics (formerly Invitae), Labcorp
Classification: Uncertain significance for Autosomal recessive polycystic kidney disease. Last evaluated: 2021-09-01. Review status: criteria provided, single submitter. Criteria: Invitae Variant Classification Sherloc (09022015). Collection method: clinical testing. Allele origin: germline.
Comment: This sequence change replaces serine with asparagine at codon 3417 of the PKHD1 protein (p.Ser3417Asn). The serine residue is weakly conserved and there is a small physicochemical difference between serine and asparagine. This variant is present in population databases (rs778583323, ExAC 0.01%). This variant has not been reported in the literature in individuals affected with PKHD1-related conditions. Algorithms developed to predict the effect of missense changes on protein structure and function output the following: SIFT: "Tolerated"; PolyPhen-2: "Benign"; Align-GVGD: "Class C0". The asparagine amino acid residue is found in multiple mammalian species, which suggests that this missense change does not adversely affect protein function. In summary, the available evidence is currently insufficient to determine the role of this variant in disease. Therefore, it has been classified as a Variant of Uncertain Significance.

Natera, Inc.
Classification: Uncertain significance for Autosomal recessive polycystic kidney disease. Last evaluated: 2020-01-02. Review status: no assertion criteria provided. Collection method: clinical testing. Allele origin: germline. Not counted in ClinVar's aggregate classification.

NM_138694.4(PKHD1):c.10250G>A (p.Ser3417Asn)

Gene: PKHD1 (PKHD1 ciliary IPT domain containing fibrocystin/polyductin; minus strand). Cytogenetic location: 6p12.3.
Variant type: single nucleotide variant.
Coding change: c.10250G>A on transcript NM_138694.4 (MANE Select); coding-DNA position 10250, G replaced by A.
Protein change: p.Ser3417Asn; replaces serine 3417 with asparagine.
Molecular consequence: missense variant.
Genome position (GRCh38, 1-based): chr6:51,659,876, C>T on the plus strand (G>A on the coding strand, the complement: PKHD1 is on the minus strand). VCF-style: chr6-51659876-C-T. GRCh37 (hg19) VCF-style: chr6-51524674-C-T.
Other names: short protein forms S3417N.
Identifiers: ClinVar variation 660452 (VCV000660452.12), dbSNP rs778583323, ClinGen allele CA3851122.